The following is an entry in ClinVar:

NM_182961.4(SYNE1):c.5491G>T (p.Gly1831Cys)

Gene: SYNE1 (spectrin repeat containing nuclear envelope protein 1; minus strand). Cytogenetic location: 6q25.2.
Variant type: single nucleotide variant.
Coding change: c.5491G>T on transcript NM_182961.4 (MANE Select); coding-DNA position 5491, G replaced by T.
Protein change: p.Gly1831Cys; replaces glycine 1831 with cysteine.
Molecular consequence: missense variant.
Genome position (GRCh38, 1-based): chr6:152,416,946, C>A on the plus strand (G>T on the coding strand, the complement: SYNE1 is on the minus strand). VCF-style: chr6-152416946-C-A. GRCh37 (hg19) VCF-style: chr6-152738081-C-A.
Other names: c.5512G>T, p.Gly1838Cys (NM_033071.5); short protein forms G1831C, G1838C.
Identifiers: ClinVar variation 572473 (VCV000572473.6), dbSNP rs184779168, ClinGen allele CA4058259.

ClinVar aggregate classification (germline): Uncertain significance (1 of 4 stars; one submission).

Conditions:
Emery-Dreifuss muscular dystrophy 4, autosomal dominant (EDMD4). Also called: EMERY-DREIFUSS MUSCULAR DYSTROPHY 4 WITH VARIABLE FEATURES. Identifiers: Orphanet 261, MedGen C2751807, MONDO:0013071, OMIM 612998.
Autosomal recessive ataxia, Beauce type. Also called: SYNE1-Related Autosomal Recessive Cerebellar Ataxia; Spinocerebellar ataxia, autosomal recessive 8; ATAXIA, RECESSIVE, OF BEAUCE; SYNE1 Deficiency. Identifiers: Orphanet 88644, MedGen C1853116, MONDO:0012549, OMIM 610743.

Allele frequency attached by ClinVar (database versions not stated): gnomAD exomes 0.00001 and 0.00006; TOPMed 0.00001; gnomAD 0.00003 and 0.00004; ExAC 0.00006; 1000 Genomes Project 0.00040; 1000 Genomes Project 30x 0.00062.
gnomAD v4.1: 19 of 1,614,170 alleles (0.0012%); highest among the groups gnomAD compares: East Asian, 0.038%; no homozygotes.

Submission:

Labcorp Genetics (formerly Invitae), Labcorp
Classification: Uncertain significance for Emery-Dreifuss muscular dystrophy 4, autosomal dominant; Autosomal recessive ataxia, Beauce type. Last evaluated: 2022-09-27. Review status: criteria provided, single submitter. Criteria: Invitae Variant Classification Sherloc (09022015). Collection method: clinical testing. Allele origin: germline.
Comment: This sequence change replaces glycine, which is neutral and non-polar, with cysteine, which is neutral and slightly polar, at codon 1838 of the SYNE1 protein (p.Gly1838Cys). This variant is present in population databases (rs184779168, gnomAD 0.07%). This variant has not been reported in the literature in individuals affected with SYNE1-related conditions. ClinVar contains an entry for this variant (Variation ID: 572473). Algorithms developed to predict the effect of missense changes on protein structure and function output the following: SIFT: "Tolerated"; PolyPhen-2: "Benign"; Align-GVGD: "Class C0". The cysteine amino acid residue is found in multiple mammalian species, which suggests that this missense change does not adversely affect protein function. In summary, the available evidence is currently insufficient to determine the role of this variant in disease. Therefore, it has been classified as a Variant of Uncertain Significance.